The following is an entry in ClinVar:

ClinVar aggregate classification (germline): Likely benign. Review status: criteria provided, multiple submitters, no conflicts (2 of 4 stars). 3 submissions from 3 submitters: Likely benign (3). Last evaluated 2026-04-01.

Conditions:
Telangiectasia, hereditary hemorrhagic, type 2 (HHT2). Also called: ACVRL1-Related Hereditary Hemorrhagic Telangiectasia; Telangiectasia, hereditary hemorrhagic, type II. Identifiers: Orphanet 774, MedGen C1838163, MONDO:0010880, OMIM 600376. Disease mechanism: loss of function.
Cardiovascular phenotype. Identifiers: MedGen CN230736.

Allele frequency attached by ClinVar (database versions not stated): gnomAD exomes below 0.00001 and 0.00002; ExAC 0.00002; gnomAD 0.00004; TOPMed 0.00005; ESP Exome Variant Server 0.00015.
gnomAD v4.1: 11 of 1,614,088 alleles (0.00068%); highest among the groups gnomAD compares: African/African-American, 0.011%; no homozygotes.

Submissions (3):

CeGaT Center for Human Genetics Tuebingen
Classification: Likely benign. Last evaluated: 2026-04-01. Review status: criteria provided, single submitter. Criteria: CeGaT Center For Human Genetics Tuebingen Variant Classification Criteria Version 2. Collection method: clinical testing. Allele origin: germline. Affected: yes. Observed: 1 variant allele.
Comment: ACVRL1: BP4, BP7

Ambry Genetics
Classification: Likely benign for Cardiovascular phenotype. Last evaluated: 2021-07-04. Review status: criteria provided, single submitter. Criteria: Ambry Variant Classification Scheme 2023. Collection method: clinical testing. Allele origin: germline.

Labcorp Genetics (formerly Invitae), Labcorp
Classification: Likely benign for Telangiectasia, hereditary hemorrhagic, type 2. Last evaluated: 2018-08-15. Review status: criteria provided, single submitter. Criteria: Invitae Variant Classification Sherloc (09022015). Collection method: clinical testing. Allele origin: germline.

NM_000020.3(ACVRL1):c.840C>T (p.His280=)

Gene: ACVRL1 (activin A receptor like type 1; plus strand). Cytogenetic location: 12q13.13.
Variant type: single nucleotide variant.
Coding change: c.840C>T on transcript NM_000020.3 (MANE Select); coding-DNA position 840, C replaced by T.
Protein change: p.His280=; no amino-acid change (histidine 280 retained).
Molecular consequence: synonymous variant.
Genome position (GRCh38, 1-based): chr12:51,915,292, C>T. VCF-style: chr12-51915292-C-T. GRCh37 (hg19) VCF-style: chr12-52309076-C-T.
Other names: c.840C>T, p.His280= (NM_001077401.2).
Identifiers: ClinVar variation 765801 (VCV000765801.13), dbSNP rs146188863, ClinGen allele CA6573005.